The following is an entry in ClinVar:

NM_001005242.3(PKP2):c.1625del (p.Leu542fs)

Gene: PKP2 (plakophilin 2; minus strand). Cytogenetic location: 12p11.21.
Variant type: Deletion.
Coding change: c.1625del on transcript NM_001005242.3 (MANE Select); coding-DNA position 1625, one base deleted (T; older notation c.1625delT).
Protein change: p.Leu542fs; shifts the reading frame from leucine 542.
Molecular consequence: frameshift variant.
Genome position (GRCh38, 1-based): chr12:32,824,094, A deleted on the plus strand (T on the coding strand, the reverse complement: PKP2 is on the minus strand). VCF-style (leftmost placement, unchanged base first): chr12-32824093-CA-C. GRCh37 (hg19) VCF-style: chr12-32977027-CA-C.
Other names: c.1757del, p.Leu586fs (NM_004572.4); c.1757delT (NM_004572.3); short protein forms L542fs, L586fs.
Identifiers: ClinVar variation 406545 (VCV000406545.6), dbSNP rs1060501182, ClinGen allele CA16614127.

ClinVar aggregate classification (germline): Pathogenic (1 of 4 stars; one submission).

Conditions:
Arrhythmogenic right ventricular dysplasia 9 (ARVD9). Also called: Arrhythmogenic Right Ventricular Dysplasia/Cardiomyopathy 9; ARRHYTHMOGENIC RIGHT VENTRICULAR DYSPLASIA, FAMILIAL, 9. Identifiers: MedGen C1836906, MONDO:0012180, OMIM 609040.

Submission:

Labcorp Genetics (formerly Invitae), Labcorp
Classification: Pathogenic for Arrhythmogenic right ventricular dysplasia 9. Last evaluated: 2017-01-30. Review status: criteria provided, single submitter. Criteria: Invitae Variant Classification Sherloc (09022015). Collection method: clinical testing. Allele origin: germline.
Comment: This sequence change deletes 1 nucleotide from exon 8 of the PKP2 mRNA (c.1757delT), causing a frameshift at codon 586. This creates a premature translational stop signal (p.Leu586Argfs*70) and is expected to result in an absent or disrupted protein product. While this particular variant has not been reported in the literature, loss-of-function variants in PKP2 are known to be pathogenic (PMID: 15489853). For these reasons, this variant has been classified as Pathogenic.

Literature cited by the submitters: PubMed 15489853.